The following is an entry in ClinVar:

NM_000157.4(GBA1):c.883C>T (p.Gln295Ter)

Genes: GBA1 (glucosylceramidase beta 1; minus strand), LOC106627981 (GBA recombination region; plus strand). Cytogenetic location: 1q22.
Variant type: single nucleotide variant.
Coding change: c.883C>T on transcript NM_000157.4 (MANE Select); coding-DNA position 883, C replaced by T.
Protein change: p.Gln295Ter; replaces glutamine 295 with a stop codon.
Molecular consequence: nonsense.
Genome position (GRCh38, 1-based): chr1:155,237,457, G>A on the plus strand (C>T on the coding strand, the complement: GBA1 is on the minus strand). VCF-style: chr1-155237457-G-A. GRCh37 (hg19) VCF-style: chr1-155207248-G-A.
Other names: c.883C>T, p.Gln295Ter (NM_001005741.3, NM_001005742.3); c.622C>T, p.Gln208Ter (NM_001171811.2); c.736C>T, p.Gln246Ter (NM_001171812.2); short protein forms Q208*, Q246*, Q295*.
Identifiers: ClinVar variation 4817820 (VCV004817820.3).

ClinVar aggregate classification (germline): Likely pathogenic. Review status: criteria provided, multiple submitters, no conflicts (2 of 4 stars). 2 submissions from 2 submitters: Likely pathogenic (2). Last evaluated 2026-01-29.

Conditions:
Gaucher disease. Also called: Acute cerebral Gaucher disease; Cerebroside lipidosis syndrome; Gaucher splenomegaly; Sphingolipidosis 1; Glucocerebrosidosis; Glucosylceramidase deficiency. Identifiers: Orphanet 355, MedGen C0017205, MONDO:0018150.
Lewy body dementia (DLB). Also called: Lewy Body Disease. Identifiers: MedGen C0752347, MONDO:0007488, OMIM 127750.
Gaucher disease type I (GD1). Also called: GD 1; Type 1 Gaucher Disease; ACID BETA-GLUCOSIDASE DEFICIENCY; GAUCHER DISEASE, NONCEREBRAL JUVENILE; GBA DEFICIENCY; GD I. Identifiers: Orphanet 355, Orphanet 77259, MedGen C1961835, MONDO:0009265, OMIM 230800.
Parkinson disease, late-onset (PD). Also called: Hereditary late onset Parkinson disease; Susceptibility to Parkinson's Disease; PARKINSON DISEASE, LATE-ONSET, SUSCEPTIBILITY TO. Identifiers: Orphanet 411602, MedGen C3160718, MONDO:0008199, OMIM 168600.
Gaucher disease type II (GD2). Also called: Type 2 Gaucher disease (Acute; Infantile); GAUCHER DISEASE, ACUTE NEURONOPATHIC TYPE; GD II; Acute neuronopathic Gaucher's disease. Identifiers: Orphanet 77260, MedGen C0268250, MONDO:0009266, OMIM 230900.
Gaucher disease type III. Also called: Gaucher Disease, Type 3; Type 3 Gaucher disease (Subacute; Juvenile); GAUCHER DISEASE, CHRONIC NEURONOPATHIC TYPE; GAUCHER DISEASE, JUVENILE AND ADULT, CEREBRAL; GAUCHER DISEASE, SUBACUTE NEURONOPATHIC TYPE; GD III. Identifiers: Orphanet 355, Orphanet 77261, MedGen C0268251, MONDO:0009267, OMIM 231000.
Gaucher disease perinatal lethal. Also called: Gaucher disease collodion type; Gaucher Disease, Perinatal-Lethal Form. Identifiers: Orphanet 85212, MedGen C1842704, MONDO:0011945, OMIM 608013.
Gaucher disease-ophthalmoplegia-cardiovascular calcification syndrome. Also called: GAUCHER DISEASE, TYPE IIIC. Identifiers: Orphanet 2072, MedGen C1856476, MONDO:0009268, OMIM 231005.

Submissions (2):

Natera, Inc.
Classification: Likely pathogenic for Gaucher disease. Last evaluated: 2026-01-29. Review status: criteria provided, single submitter. Criteria: Natera Variant Classification Schema (03/2026). Collection method: clinical testing. Allele origin: germline.
Comment: The c.883C>T variant in GBA1 is a nonsense variant predicted to introduce a stop codon at amino acid 295. This variant is expected to result in nonsense mediated decay, truncation, or a dysfunctional protein product. This variant is rare in the general population with a frequency below the threshold expected for the associated phenotype(s). Given the available evidence, this variant is classified as Likely Pathogenic.

Juno Genomics, Hangzhou Juno Genomics, Inc
Classification: Likely pathogenic for Lewy body dementia; Parkinson disease, late-onset; Gaucher disease perinatal lethal; Gaucher disease type I; Gaucher disease type II; Gaucher disease type III; Gaucher disease-ophthalmoplegia-cardiovascular calcification syndrome. Review status: criteria provided, single submitter. Criteria: ACMG Guidelines, 2015. Collection method: clinical testing. Allele origin: germline.
Comment: Null variant in a gene where loss of function (LOF) is a known mechanism of disease.;Absent from controls (or at extremely low frequency if recessive) in Genome Aggregation Database.